The following is an entry in ClinVar:

NM_198859.4(PRICKLE2):c.*2633G>A

Genes: PRICKLE2 (prickle planar cell polarity protein 2; minus strand), PRICKLE2-AS1 (PRICKLE2 antisense RNA 1; plus strand). Cytogenetic location: 3p14.1.
Variant type: single nucleotide variant.
Coding change: c.*2633G>A on transcript NM_198859.4 (MANE Select); 2633 bases downstream of the stop codon, G replaced by A.
Molecular consequence: 3 prime UTR variant.
Genome position (GRCh38, 1-based): chr3:64,096,418, C>T on the plus strand (G>A on the coding strand, the complement: PRICKLE2 is on the minus strand). VCF-style: chr3-64096418-C-T. GRCh37 (hg19) VCF-style: chr3-64082094-C-T.
Other names: c.*2633G>A (NM_001370528.1).
Identifiers: ClinVar variation 901279 (VCV000901279.4), dbSNP rs140420417, ClinGen allele CA75714351.

ClinVar aggregate classification (germline): Likely benign (1 of 4 stars; one submission).

Conditions:
Progressive myoclonic epilepsy. Also called: Myoclonic Epilepsies, Progressive; Familial progressive myoclonic epilepsy; Myoclonus epilepsy; Progressive myoclonus epilepsy. Identifiers: Orphanet 308, Orphanet 98261, MedGen C0751778, MONDO:0020074.

Allele frequency attached by ClinVar (database versions not stated): gnomAD 0.00003 and 0.00023; TOPMed 0.00003; 1000 Genomes Project 30x 0.00187; 1000 Genomes Project 0.00220.

Submission:

Illumina Laboratory Services, Illumina
Classification: Likely benign for Progressive myoclonic epilepsy. Last evaluated: 2018-01-13. Review status: criteria provided, single submitter. Criteria: ICSL Variant Classification Criteria 13 December 2019. Collection method: clinical testing. Allele origin: germline.
Comment: This variant was observed in the ICSL laboratory as part of a predisposition screen in an ostensibly healthy population. It had not been previously curated by ICSL or reported in the Human Gene Mutation Database (HGMD: prior to June 1st, 2018), and was therefore a candidate for classification through an automated scoring system. Utilizing variant allele frequency, disease prevalence and penetrance estimates, and inheritance mode, an automated score was calculated to assess if this variant is too frequent to cause the disease. Based on the score and internal cut-off values, a variant classified as likely benign is not then subjected to further curation. The score for this variant resulted in a classification of likely benign for this disease.